The following is an entry in ClinVar:

ClinVar aggregate classification (germline): Uncertain significance (1 of 4 stars; one submission).

Submission:

Labcorp Genetics (formerly Invitae), Labcorp
Classification: Uncertain significance. Last evaluated: 2022-05-28. Review status: criteria provided, single submitter. Criteria: Invitae Variant Classification Sherloc (09022015). Collection method: clinical testing. Allele origin: germline.
Comment: This variant has not been reported in the literature in individuals affected with RUSC2-related conditions. This sequence change replaces threonine, which is neutral and polar, with proline, which is neutral and non-polar, at codon 84 of the RUSC2 protein (p.Thr84Pro). This variant is not present in population databases (gnomAD no frequency). Algorithms developed to predict the effect of missense changes on protein structure and function output the following: SIFT: "Tolerated"; PolyPhen-2: "Benign"; Align-GVGD: "Class C0". The proline amino acid residue is found in multiple mammalian species, which suggests that this missense change does not adversely affect protein function. In summary, the available evidence is currently insufficient to determine the role of this variant in disease. Therefore, it has been classified as a Variant of Uncertain Significance.

NM_014806.5(RUSC2):c.250A>C (p.Thr84Pro)

Gene: RUSC2 (RUN and SH3 domain containing 2; plus strand). Cytogenetic location: 9p13.3.
Variant type: single nucleotide variant.
Coding change: c.250A>C on transcript NM_014806.5 (MANE Select); coding-DNA position 250, A replaced by C.
Protein change: p.Thr84Pro; replaces threonine 84 with proline.
Molecular consequence: missense variant. On other transcripts: non-coding transcript variant (1), intron variant (1).
Genome position (GRCh38, 1-based): chr9:35,546,771, A>C. VCF-style: chr9-35546771-A-C. GRCh37 (hg19) VCF-style: chr9-35546768-A-C.
Other names: c.250A>C, p.Thr84Pro (NM_001135999.2); c.-620-8289A>C (NM_001330740.2); short protein forms T84P.
Identifiers: ClinVar variation 1999887 (VCV001999887.4), dbSNP rs1821754397, ClinGen allele CA373326358.